The following is an entry in ClinVar:

ClinVar aggregate classification (germline): Uncertain significance (1 of 4 stars; one submission).

Conditions:
Nephronophthisis. Also called: Juvenile Nephronophthisis. Identifiers: Orphanet 655, MedGen C0687120, MONDO:0019005, HP:0000090.

Allele frequency attached by ClinVar (database versions not stated): gnomAD exomes below 0.00001.
gnomAD v4.1: 1 of 1,508,702 alleles (0.000066%); highest among the groups gnomAD compares: Non-Finnish European, 0.000088%; no homozygotes.

Submission:

Labcorp Genetics (formerly Invitae), Labcorp
Classification: Uncertain significance for Nephronophthisis. Last evaluated: 2022-08-31. Review status: criteria provided, single submitter. Criteria: Invitae Variant Classification Sherloc (09022015). Collection method: clinical testing. Allele origin: germline.
Comment: In summary, the available evidence is currently insufficient to determine the role of this variant in disease. Therefore, it has been classified as a Variant of Uncertain Significance. Algorithms developed to predict the effect of missense changes on protein structure and function are either unavailable or do not agree on the potential impact of this missense change (SIFT: "Deleterious"; PolyPhen-2: "Benign"; Align-GVGD: "Class C0"). ClinVar contains an entry for this variant (Variation ID: 531628). This variant has not been reported in the literature in individuals affected with NPHP3-related conditions. This variant is not present in population databases (gnomAD no frequency). This sequence change replaces glycine, which is neutral and non-polar, with arginine, which is basic and polar, at codon 54 of the NPHP3 protein (p.Gly54Arg).

NM_153240.5(NPHP3):c.160G>A (p.Gly54Arg)

Genes: NPHP3-ACAD11 (NPHP3-ACAD11 readthrough (NMD candidate); minus strand), NPHP3-AS1 (NPHP3 antisense RNA 1; plus strand), NPHP3 (nephrocystin 3; minus strand), LOC129937586 (ATAC-STARR-seq lymphoblastoid silent region 14743; plus strand). Cytogenetic location: 3q22.1.
Variant type: single nucleotide variant.
Coding change: c.160G>A on transcript NM_153240.5 (MANE Select); coding-DNA position 160, G replaced by A.
Protein change: p.Gly54Arg; replaces glycine 54 with arginine.
Molecular consequence: missense variant. On other transcripts: non-coding transcript variant (3).
Genome position (GRCh38, 1-based): chr3:132,722,196, C>T on the plus strand (G>A on the coding strand, the complement: NPHP3 is on the minus strand). VCF-style: chr3-132722196-C-T. GRCh37 (hg19) VCF-style: chr3-132441040-C-T.
Other names: short protein forms G54R.
Identifiers: ClinVar variation 531628 (VCV000531628.11), dbSNP rs1054438148, ClinGen allele CA83610996.